The following is an entry in ClinVar:

NM_015662.3(IFT172):c.1507A>G (p.Arg503Gly)

Gene: IFT172 (intraflagellar transport 172; minus strand). Cytogenetic location: 2p23.3.
Variant type: single nucleotide variant.
Coding change: c.1507A>G on transcript NM_015662.3 (MANE Select); coding-DNA position 1507, A replaced by G.
Protein change: p.Arg503Gly; replaces arginine 503 with glycine.
Molecular consequence: missense variant.
Genome position (GRCh38, 1-based): chr2:27,472,267, T>C on the plus strand (A>G on the coding strand, the complement: IFT172 is on the minus strand). VCF-style: chr2-27472267-T-C. GRCh37 (hg19) VCF-style: chr2-27695134-T-C.
Other names: c.1507A>G, p.Arg503Gly (NM_001410739.1); short protein forms R503G.
Identifiers: ClinVar variation 2005176 (VCV002005176.4), dbSNP rs772696044, ClinGen allele CA1580632.

ClinVar aggregate classification (germline): Uncertain significance (1 of 4 stars; one submission).

Conditions:
Retinitis pigmentosa 71 (RP71). Identifiers: Orphanet 791, MedGen C4225342, MONDO:0014618, OMIM 616394.
Short-rib thoracic dysplasia 10 with or without polydactyly (SRTD10). Identifiers: Orphanet 474, MedGen C3810175, MONDO:0014284, OMIM 615630.

Allele frequency attached by ClinVar (database versions not stated): ExAC 0.00001; gnomAD exomes 0.00001.
gnomAD v4.1: 3 of 1,613,882 alleles (0.00019%); highest among the groups gnomAD compares: South Asian, 0.0011%; no homozygotes.

Submission:

Labcorp Genetics (formerly Invitae), Labcorp
Classification: Uncertain significance for Retinitis pigmentosa 71; Short-rib thoracic dysplasia 10 with or without polydactyly. Last evaluated: 2022-06-23. Review status: criteria provided, single submitter. Criteria: Invitae Variant Classification Sherloc (09022015). Collection method: clinical testing. Allele origin: germline.
Comment: In summary, the available evidence is currently insufficient to determine the role of this variant in disease. Therefore, it has been classified as a Variant of Uncertain Significance. Algorithms developed to predict the effect of missense changes on protein structure and function are either unavailable or do not agree on the potential impact of this missense change (SIFT: "Deleterious"; PolyPhen-2: "Probably Damaging"; Align-GVGD: "Class C0"). This variant has not been reported in the literature in individuals affected with IFT172-related conditions. This variant is present in population databases (rs772696044, gnomAD 0.0009%). This sequence change replaces arginine, which is basic and polar, with glycine, which is neutral and non-polar, at codon 503 of the IFT172 protein (p.Arg503Gly).